The following is an entry in ClinVar:

ClinVar aggregate classification (germline): Uncertain significance (1 of 4 stars; one submission).

Conditions:
Congenital sideroblastic anemia-B-cell immunodeficiency-periodic fever-developmental delay syndrome. Also called: Sideroblastic anemia with B-cell immunodeficiency, periodic fevers, and developmental delay. Identifiers: Orphanet 369861, MedGen C4015172, MONDO:0014487, OMIM 616084.

Allele frequency attached by ClinVar (database versions not stated): gnomAD exomes below 0.00001 and 0.00001; ExAC 0.00001; gnomAD 0.00001; TOPMed 0.00001.
gnomAD v4.1: 17 of 1,613,820 alleles (0.0011%); highest among the groups gnomAD compares: African/African-American, 0.0013%; no homozygotes.

Submission:

Labcorp Genetics (formerly Invitae), Labcorp
Classification: Uncertain significance for Congenital sideroblastic anemia-B-cell immunodeficiency-periodic fever-developmental delay syndrome. Last evaluated: 2021-08-27. Review status: criteria provided, single submitter. Criteria: Invitae Variant Classification Sherloc (09022015). Collection method: clinical testing. Allele origin: germline.
Comment: This sequence change replaces leucine with proline at codon 13 of the TRNT1 protein (p.Leu13Pro). The leucine residue is moderately conserved and there is a moderate physicochemical difference between leucine and proline. This variant is present in population databases (rs762748487, ExAC 0.002%). This variant has not been reported in the literature in individuals affected with TRNT1-related conditions. Algorithms developed to predict the effect of missense changes on protein structure and function (SIFT, PolyPhen-2, Align-GVGD) all suggest that this variant is likely to be tolerated. In summary, the available evidence is currently insufficient to determine the role of this variant in disease. Therefore, it has been classified as a Variant of Uncertain Significance.

NM_182916.3(TRNT1):c.38T>C (p.Leu13Pro)

Gene: TRNT1 (tRNA nucleotidyl transferase 1; plus strand). Cytogenetic location: 3p26.2.
Variant type: single nucleotide variant.
Coding change: c.38T>C on transcript NM_182916.3 (MANE Select); coding-DNA position 38, T replaced by C.
Protein change: p.Leu13Pro; replaces leucine 13 with proline.
Molecular consequence: missense variant. On other transcripts: non-coding transcript variant (11).
Genome position (GRCh38, 1-based): chr3:3,129,078, T>C. VCF-style: chr3-3129078-T-C. GRCh37 (hg19) VCF-style: chr3-3170762-T-C.
Other names: c.38T>C, p.Leu13Pro (NM_001302946.2, NM_001367321.1, NM_001367322.1 and 1 more transcripts); short protein forms L13P.
Identifiers: ClinVar variation 1379375 (VCV001379375.5), dbSNP rs762748487, ClinGen allele CA2228496.
Genomic context (GRCh38, chr3:3,129,078, plus strand): 5'-GTAGTTGGTGACTGCCTCTCCAGATGCTGAGGTGCCTGTATCATTGGCACAGGCCAGTGC[T>C]GAACCGTAGGTGGAGTAGGCTGTGCCTTCCGAAGCAGTATCTATTCACAATGAAGTTGCA-3'
Protein context (NP_886552.3, residues 3-23): RCLYHWHRPV[Leu13Pro]NRRWSRLCLP